The following is an entry in ClinVar:

NM_000211.5(ITGB2):c.1301C>T (p.Thr434Met)

Gene: ITGB2 (integrin subunit beta 2; minus strand). Cytogenetic location: 21q22.3.
Variant type: single nucleotide variant.
Coding change: c.1301C>T on transcript NM_000211.5 (MANE Select); coding-DNA position 1301, C replaced by T.
Protein change: p.Thr434Met; replaces threonine 434 with methionine.
Molecular consequence: missense variant.
Genome position (GRCh38, 1-based): chr21:44,891,920, G>A on the plus strand (C>T on the coding strand, the complement: ITGB2 is on the minus strand). VCF-style: chr21-44891920-G-A. GRCh37 (hg19) VCF-style: chr21-46311835-G-A.
Other names: c.1301C>T, p.Thr434Met (NM_001127491.3); c.1094C>T, p.Thr365Met (NM_001303238.2); short protein forms T365M, T434M.
Identifiers: ClinVar variation 1011042 (VCV001011042.6), dbSNP rs147537677, ClinGen allele CA410485354.

ClinVar aggregate classification (germline): Uncertain significance (1 of 4 stars; one submission).

Conditions:
Leukocyte adhesion deficiency 1 (LAD1). Also called: LEUKOCYTE ADHESION DEFICIENCY, TYPE I; LAD 1; Lymphocyte function-associated antigen 1 immunodeficiency; LFA 1 immunodeficiency. Identifiers: Orphanet 2968, Orphanet 99842, MedGen C0398738, MONDO:0007293, OMIM 116920.

Allele frequency attached by ClinVar (database versions not stated): gnomAD exomes 0.00001; TOPMed 0.00001.

Submission:

Labcorp Genetics (formerly Invitae), Labcorp
Classification: Uncertain significance for Leukocyte adhesion deficiency 1. Last evaluated: 2021-09-01. Review status: criteria provided, single submitter. Criteria: Invitae Variant Classification Sherloc (09022015). Collection method: clinical testing. Allele origin: germline.
Comment: This sequence change replaces threonine with methionine at codon 434 of the ITGB2 protein (p.Thr434Met). The threonine residue is highly conserved and there is a moderate physicochemical difference between threonine and methionine. This variant is not present in population databases (ExAC no frequency). This variant has not been reported in the literature in individuals affected with ITGB2-related conditions. Algorithms developed to predict the effect of missense changes on protein structure and function (SIFT, PolyPhen-2, Align-GVGD) all suggest that this variant is likely to be disruptive. In summary, the available evidence is currently insufficient to determine the role of this variant in disease. Therefore, it has been classified as a Variant of Uncertain Significance.